The following is an entry in ClinVar:

NM_000368.5(TSC1):c.2042-5A>T

Gene: TSC1 (TSC complex subunit 1; minus strand). Cytogenetic location: 9q34.13.
Variant type: single nucleotide variant.
Coding change: c.2042-5A>T on transcript NM_000368.5 (MANE Select); 5 bases into the intron before coding-DNA position 2042, A replaced by T.
Molecular consequence: intron variant.
Genome position (GRCh38, 1-based): chr9:132,903,822, T>A on the plus strand (A>T on the coding strand, the complement: TSC1 is on the minus strand). VCF-style: chr9-132903822-T-A. GRCh37 (hg19) VCF-style: chr9-135779209-T-A.
Other names: c.1679-5A>T (NM_001362177.2); c.1889-5A>T (NM_001162427.2); c.2039-5A>T (NM_001162426.2).
Identifiers: ClinVar variation 1098111 (VCV001098111.14), dbSNP rs118203627, ClinGen allele CA860671948.

ClinVar aggregate classification (germline): Conflicting classifications of pathogenicity. Review status: criteria provided, conflicting classifications (1 of 4 stars). 4 submissions from 4 submitters: Uncertain significance (1); Likely benign (3). Last evaluated 2025-08-25.

Conditions:
Hereditary cancer-predisposing syndrome. Also called: Neoplastic Syndromes, Hereditary; Hereditary neoplastic syndrome; Hereditary Cancer Syndrome; Tumor predisposition. Identifiers: Orphanet 140162, MedGen C0027672, MeSH D009386, MONDO:0015356.
Tuberous sclerosis 1 (TSC1). Identifiers: Orphanet 805, MedGen C1854465, MONDO:0008612, OMIM 191100.

Allele frequency attached by ClinVar (database versions not stated): TOPMed 0.00001.

Submissions (4):

Labcorp Genetics (formerly Invitae), Labcorp
Classification: Likely benign for Tuberous sclerosis 1. Last evaluated: 2025-08-25. Review status: criteria provided, single submitter. Criteria: Invitae Variant Classification Sherloc (09022015). Collection method: clinical testing. Allele origin: germline.

Ambry Genetics
Classification: Uncertain significance for Hereditary cancer-predisposing syndrome. Last evaluated: 2025-05-08. Review status: criteria provided, single submitter. Criteria: Ambry Variant Classification Scheme 2023. Collection method: clinical testing. Allele origin: germline.
Comment: The c.2042-5A>T intronic variant results from an A to T substitution 5 nucleotides upstream from coding exon 15 in the TSC1 gene. This nucleotide position is highly conserved in available vertebrate species. In silico splice site analysis predicts that this alteration will not have any significant effect on splicing; however, direct evidence is insufficient at this time (Ambry internal data). Based on the available evidence, the clinical significance of this variant remains unclear.

Myriad Genetics, Inc.
Classification: Likely benign for Tuberous sclerosis 1. Last evaluated: 2025-04-24. Review status: criteria provided, single submitter. Criteria: Myriad Autosomal Dominant, Autosomal Recessive and X-Linked Classification Criteria (2023). Collection method: clinical testing. Allele origin: unknown.
Comment: This variant is considered likely benign. This variant is intronic and is not expected to impact mRNA splicing.

Sema4
Classification: Likely benign for Hereditary cancer-predisposing syndrome. Last evaluated: 2020-08-25. Review status: criteria provided, single submitter. Criteria: Sema4 Curation Guidelines. Collection method: curation. Allele origin: germline.